The following is an entry in ClinVar:

NM_000051.4(ATM):c.8787-1G>A

Genes: ATM (ATM serine/threonine kinase; plus strand), C11orf65 (chromosome 11 open reading frame 65; minus strand). Cytogenetic location: 11q22.3.
Variant type: single nucleotide variant.
Coding change: c.8787-1G>A on transcript NM_000051.4 (MANE Select); the canonical splice acceptor site of the intron before coding-DNA position 8787, G replaced by A.
Molecular consequence: splice acceptor variant. On other transcripts: intron variant (2).
Genome position (GRCh38, 1-based): chr11:108,354,810, G>A. VCF-style: chr11-108354810-G-A. GRCh37 (hg19) VCF-style: chr11-108225537-G-A.
Other names: c.8787-1G>A (NM_001351834.2); c.640+31110C>T (NM_001330368.2); c.695-19518C>T (NM_001351110.2).
Identifiers: ClinVar variation 1764649 (VCV001764649.6), dbSNP rs1591313869, ClinGen allele CA382525492.

ClinVar aggregate classification (germline): Pathogenic/Likely pathogenic. Review status: criteria provided, multiple submitters, no conflicts (2 of 4 stars). 3 submissions from 3 submitters: Pathogenic (2); Likely pathogenic (1). Last evaluated 2023-02-11.

Conditions:
Ataxia-telangiectasia syndrome (AT). Also called: Ataxia telangiectasia (A-T); LOUIS-BAR SYNDROME; Cerebello-oculocutaneous telangiectasia; Immunodeficiency with ataxia telangiectasia; Ataxia-telangiectasia, complementation group D; AT, COMPLEMENTATION GROUP C. Identifiers: Orphanet 100, MedGen C0004135, MONDO:0008840, OMIM 208900.
Hereditary cancer-predisposing syndrome. Also called: Hereditary neoplastic syndrome; Neoplastic Syndromes, Hereditary; Tumor predisposition; Hereditary Cancer Syndrome. Identifiers: Orphanet 140162, MedGen C0027672, MeSH D009386, MONDO:0015356.

Submissions (3):

Labcorp Genetics (formerly Invitae), Labcorp
Classification: Likely pathogenic for Ataxia-telangiectasia syndrome. Last evaluated: 2023-02-11. Review status: criteria provided, single submitter. Criteria: Invitae Variant Classification Sherloc (09022015). Collection method: clinical testing. Allele origin: germline.
Comment: Algorithms developed to predict the effect of sequence changes on RNA splicing suggest that this variant may disrupt the consensus splice site. In summary, the currently available evidence indicates that the variant is pathogenic, but additional data are needed to prove that conclusively. Therefore, this variant has been classified as Likely Pathogenic. ClinVar contains an entry for this variant (Variation ID: 1764649). This variant has not been reported in the literature in individuals affected with ATM-related conditions. This variant is not present in population databases (gnomAD no frequency). This sequence change affects an acceptor splice site in intron 60 of the ATM gene. It is expected to disrupt RNA splicing. Variants that disrupt the donor or acceptor splice site typically lead to a loss of protein function (PMID: 16199547), and loss-of-function variants in ATM are known to be pathogenic (PMID: 23807571, 25614872).

Dubai Health Genomic Medicine Center, Dubai Health
Classification: Pathogenic. Last evaluated: 2022-12-17. Review status: criteria provided, single submitter. Criteria: ACMG Guidelines, 2015. Collection method: clinical testing. Allele origin: germline. Affected: yes.

Ambry Genetics
Classification: Pathogenic for Hereditary cancer-predisposing syndrome. Last evaluated: 2020-06-02. Review status: criteria provided, single submitter. Criteria: Ambry Variant Classification Scheme 2023. Collection method: clinical testing. Allele origin: germline.
Comment: The c.8787-1G>A intronic pathogenic mutation results from a G to A substitution one nucleotide upstream from coding exon 60 of the ATM gene. RNA studies have demonstrated that a different nucleotide change at the same position, c.8787-1G>C, results in abnormal splicing in the set of samples tested (Ambry internal data). Alterations that disrupt the canonical splice site are expected to cause aberrant splicing, resulting in an abnormal protein or a transcript that is subject to nonsense-mediated mRNA decay. As such, this alteration is classified as a disease-causing mutation.

Literature cited by the submitters: PubMed 16199547 (cited by Labcorp Genetics (formerly Invitae), Labcorp); PubMed 23807571 (cited by Labcorp Genetics (formerly Invitae), Labcorp); PubMed 25614872 (cited by Labcorp Genetics (formerly Invitae), Labcorp).